The following is an entry in ClinVar:

NM_001142800.2(EYS):c.7315A>T (p.Ser2439Cys)

Gene: EYS (EGF-like photoreceptor maintenance factor; minus strand). Cytogenetic location: 6q12.
Variant type: single nucleotide variant.
Coding change: c.7315A>T on transcript NM_001142800.2 (MANE Select); coding-DNA position 7315, A replaced by T.
Protein change: p.Ser2439Cys; replaces serine 2439 with cysteine.
Molecular consequence: missense variant.
Genome position (GRCh38, 1-based): chr6:63,806,286, T>A on the plus strand (A>T on the coding strand, the complement: EYS is on the minus strand). VCF-style: chr6-63806286-T-A. GRCh37 (hg19) VCF-style: chr6-64516179-T-A.
Other names: c.7315A>T, p.Ser2439Cys (NM_001292009.2); short protein forms S2439C.
Identifiers: ClinVar variation 1395573 (VCV001395573.8), dbSNP rs1034996144, ClinGen allele CA140245749.

ClinVar aggregate classification (germline): Uncertain significance (1 of 4 stars; one submission).

Allele frequency attached by ClinVar (database versions not stated): gnomAD exomes below 0.00001; gnomAD 0.00002.
gnomAD v4.1: 4 of 1,551,590 alleles (0.00026%); highest among the groups gnomAD compares: African/African-American, 0.0055%; no homozygotes.

Submission:

Labcorp Genetics (formerly Invitae), Labcorp
Classification: Uncertain significance. Last evaluated: 2022-02-24. Review status: criteria provided, single submitter. Criteria: Invitae Variant Classification Sherloc (09022015). Collection method: clinical testing. Allele origin: germline.
Comment: This sequence change replaces serine, which is neutral and polar, with cysteine, which is neutral and slightly polar, at codon 2439 of the EYS protein (p.Ser2439Cys). This variant is not present in population databases (gnomAD no frequency). This variant has not been reported in the literature in individuals affected with EYS-related conditions. Algorithms developed to predict the effect of missense changes on protein structure and function are either unavailable or do not agree on the potential impact of this missense change (SIFT: "Deleterious"; PolyPhen-2: "Possibly Damaging"; Align-GVGD: "Class C15"). In summary, the available evidence is currently insufficient to determine the role of this variant in disease. Therefore, it has been classified as a Variant of Uncertain Significance.